The following is an entry in ClinVar:

ClinVar aggregate classification (germline): Uncertain significance (1 of 4 stars; one submission).

Conditions:
Progressive myoclonic epilepsy type 5. Identifiers: Orphanet 402082, MedGen C5190799.

Submission:

Labcorp Genetics (formerly Invitae), Labcorp
Classification: Uncertain significance for Progressive myoclonic epilepsy type 5. Last evaluated: 2025-02-02. Review status: criteria provided, single submitter. Criteria: Invitae Variant Classification Sherloc (09022015). Collection method: clinical testing. Allele origin: germline.
Comment: This sequence change replaces arginine, which is basic and polar, with glutamine, which is neutral and polar, at codon 541 of the PRICKLE2 protein (p.Arg541Gln). This variant is present in population databases (rs768214855, gnomAD 0.007%). This variant has not been reported in the literature in individuals affected with PRICKLE2-related conditions. Invitae Evidence Modeling of protein sequence and biophysical properties (such as structural, functional, and spatial information, amino acid conservation, physicochemical variation, residue mobility, and thermodynamic stability) indicates that this missense variant is not expected to disrupt PRICKLE2 protein function with a negative predictive value of 80%. In summary, the available evidence is currently insufficient to determine the role of this variant in disease. Therefore, it has been classified as a Variant of Uncertain Significance.

NM_198859.4(PRICKLE2):c.1622G>A (p.Arg541Gln)

Gene: PRICKLE2 (prickle planar cell polarity protein 2; minus strand). Cytogenetic location: 3p14.1.
Variant type: single nucleotide variant.
Coding change: c.1622G>A on transcript NM_198859.4 (MANE Select); coding-DNA position 1622, G replaced by A.
Protein change: p.Arg541Gln; replaces arginine 541 with glutamine.
Molecular consequence: missense variant.
Genome position (GRCh38, 1-based): chr3:64,146,868, C>T on the plus strand (G>A on the coding strand, the complement: PRICKLE2 is on the minus strand). VCF-style: chr3-64146868-C-T. GRCh37 (hg19) VCF-style: chr3-64132544-C-T.
Other names: c.1622G>A, p.Arg541Gln (NM_001370528.1); short protein forms R541Q.
Identifiers: ClinVar variation 3625251 (VCV003625251.2).
Genomic context (GRCh38, chr3:64,146,868, plus strand): 5'-TTTCAAGGTGAACAGAACCTACCTGTTGCATTAGACAGGGCCAGGGATTCCATGGAGCCC[C>T]GAGGGGTCTGCTCTGTGGGCGTCATGTCCTCTGTGTATTTCAGGGAACTGATGGGATGAC-3'
Protein context (NP_942559.1, residues 531-551): EDMTPTEQTP[Arg541Gln]GSMESLALSN